The following is an entry in ClinVar:

NM_032833.5(PPP1R15B):c.344C>G (p.Pro115Arg)

Gene: PPP1R15B (protein phosphatase 1 regulatory subunit 15B; minus strand). Cytogenetic location: 1q32.1.
Variant type: single nucleotide variant.
Coding change: c.344C>G on transcript NM_032833.5 (MANE Select); coding-DNA position 344, C replaced by G.
Protein change: p.Pro115Arg; replaces proline 115 with arginine.
Molecular consequence: missense variant.
Genome position (GRCh38, 1-based): chr1:204,411,068, G>C on the plus strand (C>G on the coding strand, the complement: PPP1R15B is on the minus strand). VCF-style: chr1-204411068-G-C. GRCh37 (hg19) VCF-style: chr1-204380196-G-C.
Other names: short protein forms P115R.
Identifiers: ClinVar variation 2105485 (VCV002105485.4), dbSNP rs2526511220, ClinGen allele CA344356181.

ClinVar aggregate classification (germline): Uncertain significance (1 of 4 stars; one submission).

Submission:

Labcorp Genetics (formerly Invitae), Labcorp
Classification: Uncertain significance. Last evaluated: 2024-10-15. Review status: criteria provided, single submitter. Criteria: Invitae Variant Classification Sherloc (09022015). Collection method: clinical testing. Allele origin: germline.
Comment: This sequence change replaces proline, which is neutral and non-polar, with arginine, which is basic and polar, at codon 115 of the PPP1R15B protein (p.Pro115Arg). This variant is not present in population databases (gnomAD no frequency). This variant has not been reported in the literature in individuals affected with PPP1R15B-related conditions. ClinVar contains an entry for this variant (Variation ID: 2105485). Invitae Evidence Modeling of protein sequence and biophysical properties (such as structural, functional, and spatial information, amino acid conservation, physicochemical variation, residue mobility, and thermodynamic stability) indicates that this missense variant is not expected to disrupt PPP1R15B protein function with a negative predictive value of 80%. In summary, the available evidence is currently insufficient to determine the role of this variant in disease. Therefore, it has been classified as a Variant of Uncertain Significance.